The following is an entry in ClinVar:

ClinVar aggregate classification (germline): Likely benign. Review status: criteria provided, multiple submitters, no conflicts (2 of 4 stars). 3 submissions from 3 submitters: Likely benign (2). 1 of the submissions does not count toward it. Last evaluated 2019-12-31.

Conditions:
ISL1-related disorder. Also called: ISL1-related condition.

Allele frequency attached by ClinVar (database versions not stated): TOPMed 0.00007; ExAC 0.00008; gnomAD exomes 0.00008 and 0.00009; gnomAD 0.00009; ESP Exome Variant Server 0.00025.
gnomAD v4.1: 142 of 1,611,728 alleles (0.0088%); highest among the groups gnomAD compares: Non-Finnish European, 0.011%; no homozygotes.

Submissions (3):

Labcorp Genetics (formerly Invitae), Labcorp
Classification: Likely benign. Last evaluated: 2019-12-31. Review status: criteria provided, single submitter. Criteria: Invitae Variant Classification Sherloc (09022015). Collection method: clinical testing. Allele origin: germline.

Breakthrough Genomics
Classification: Likely benign. Review status: criteria provided, single submitter. Criteria: ACMG Guidelines, 2015. Collection method: not provided. Allele origin: germline. Inheritance: Unknown mechanism. Affected: yes.

PreventionGenetics, part of Exact Sciences
Classification: Likely benign for ISL1-related condition. Last evaluated: 2021-12-10. Review status: no assertion criteria provided. Collection method: clinical testing. Allele origin: germline. Not counted in ClinVar's aggregate classification.
Comment: This variant is classified as likely benign based on ACMG/AMP sequence variant interpretation guidelines (Richards et al. 2015 PMID: 25741868, with internal and published modifications).

NM_002202.3(ISL1):c.766-10C>T

Gene: ISL1 (ISL LIM homeobox 1; plus strand). Cytogenetic location: 5q11.1.
Variant type: single nucleotide variant.
Coding change: c.766-10C>T on transcript NM_002202.3 (MANE Select); 10 bases into the intron before coding-DNA position 766, C replaced by T.
Molecular consequence: intron variant.
Genome position (GRCh38, 1-based): chr5:51,391,264, C>T. VCF-style: chr5-51391264-C-T. GRCh37 (hg19) VCF-style: chr5-50687098-C-T.
Identifiers: ClinVar variation 714089 (VCV000714089.7), dbSNP rs202190389, ClinGen allele CA3261076.